The following is an entry in ClinVar:

NM_001278293.3(ARL6):c.92C>T (p.Thr31Met)

Gene: ARL6 (ARF like GTPase 6; plus strand). Cytogenetic location: 3q11.2.
Variant type: single nucleotide variant.
Coding change: c.92C>T on transcript NM_001278293.3 (MANE Select); coding-DNA position 92, C replaced by T.
Protein change: p.Thr31Met; replaces threonine 31 with methionine.
Molecular consequence: missense variant. On other transcripts: non-coding transcript variant (7).
Genome position (GRCh38, 1-based): chr3:97,768,199, C>T. VCF-style: chr3-97768199-C-T. GRCh37 (hg19) VCF-style: chr3-97487043-C-T.
Other names: c.92C>T, p.Thr31Met (NM_001323513.2, NM_001323514.2, NM_032146.5 and 1 more transcripts); short protein forms T31M.
Identifiers: ClinVar variation 2042 (VCV000002042.16), dbSNP rs104893680, ClinGen allele CA252069.

ClinVar aggregate classification (germline): Pathogenic/Likely pathogenic. Review status: criteria provided, multiple submitters, no conflicts (2 of 4 stars). 6 submissions from 6 submitters: Pathogenic (4); Likely pathogenic (1). 1 of the submissions does not count toward it. Last evaluated 2025-01-21.

Conditions:
ARL6-related disorder. Also called: ARL6-related condition.
Bardet-Biedl syndrome 1 (BBS1). Identifiers: MedGen C2936862, MONDO:0008854, OMIM 209900. Disease mechanism: loss of function.
Bardet-Biedl syndrome 3 (BBS3). Identifiers: Orphanet 110, MedGen C1859564, MONDO:0010832, OMIM 600151.
Retinitis pigmentosa 55 (RP55). Identifiers: Orphanet 791, MedGen C3150808, MONDO:0013312, OMIM 613575.
Retinitis pigmentosa (RP). Identifiers: Orphanet 791, MedGen C0035334, MeSH D012174, MONDO:0019200, OMIM 268000. Inheritance: Autosomal dominant, autosomal recessive and X linked inheritance.

Allele frequency attached by ClinVar (database versions not stated): gnomAD exomes below 0.00001.

Submissions (6):

Labcorp Genetics (formerly Invitae), Labcorp
Classification: Pathogenic for Retinitis pigmentosa 55; Bardet-Biedl syndrome 3. Last evaluated: 2025-01-21. Review status: criteria provided, single submitter. Criteria: Invitae Variant Classification Sherloc (09022015). Collection method: clinical testing. Allele origin: germline.
Comment: This sequence change replaces threonine, which is neutral and polar, with methionine, which is neutral and non-polar, at codon 31 of the ARL6 protein (p.Thr31Met). This variant is present in population databases (rs104893680, gnomAD 0.006%). This missense change has been observed in individual(s) with Bardet Biedl syndrome (PMID: 15314642, 22410627). It has also been observed to segregate with disease in related individuals. ClinVar contains an entry for this variant (Variation ID: 2042). An algorithm developed to predict the effect of missense changes on protein structure and function (PolyPhen-2) suggests that this variant is likely to be disruptive. Experimental studies have shown that this missense change affects ARL6 function (PMID: 19236846). This variant disrupts the p.Thr31 amino acid residue in ARL6. Other variant(s) that disrupt this residue have been determined to be pathogenic (internal data). This suggests that this residue is clinically significant, and that variants that disrupt this residue are likely to be disease-causing. For these reasons, this variant has been classified as Pathogenic.

Fulgent Genetics
Classification: Pathogenic for Bardet-Biedl syndrome 1; Bardet-Biedl syndrome 3; Retinitis pigmentosa 55. Last evaluated: 2024-02-18. Review status: criteria provided, single submitter. Criteria: ACMG Guidelines, 2015. Collection method: clinical testing. Allele origin: germline.

Revvity Omics, Revvity
Classification: Pathogenic. Last evaluated: 2021-12-16. Review status: criteria provided, single submitter. Criteria: ACMG Guidelines, 2015. Collection method: clinical testing. Allele origin: germline.

Blueprint Genetics
Classification: Likely pathogenic for ARL6-related disorders. Last evaluated: 2021-08-20. Review status: criteria provided, single submitter. Criteria: ACMG Guidelines, 2015. Collection method: clinical testing. Allele origin: germline. Affected: yes. Observed: 1 variant allele.

Broad Center for Mendelian Genomics, Broad Institute of MIT and Harvard
Classification: Pathogenic for Retinitis pigmentosa. Last evaluated: 2021-04-01. Review status: criteria provided, single submitter. Criteria: ACMG Guidelines, 2015. Collection method: curation. Allele origin: germline. Inheritance: Autosomal recessive inheritance. Affected: yes.
Comment: Through a review of available evidence we were able to apply the following criteria: PM2, PP3, PM1, PS3, PP1, PM3-P. Based on this evidence we have classified this variant as Pathogenic. If you have any questions about the classification please reach out to the Pierce Lab.

OMIM
Classification: Pathogenic for BARDET-BIEDL SYNDROME 3. Last evaluated: 2004-09-01. Review status: no assertion criteria provided. Collection method: literature only. Allele origin: germline. Not counted in ClinVar's aggregate classification.

Literature cited by the submitters: PubMed 15314642 (cited by Labcorp Genetics (formerly Invitae), Labcorp and Broad Center for Mendelian Genomics, Broad Institute of MIT and Harvard); PubMed 22410627 (cited by Labcorp Genetics (formerly Invitae), Labcorp); PubMed 19236846 (cited by Labcorp Genetics (formerly Invitae), Labcorp and Broad Center for Mendelian Genomics, Broad Institute of MIT and Harvard); PubMed 34906470 (cited by Broad Center for Mendelian Genomics, Broad Institute of MIT and Harvard); PubMed 20498079 (cited by Broad Center for Mendelian Genomics, Broad Institute of MIT and Harvard); Fan, Y., Esmail, M. A., Ansley, S. J., Blacque, O. E., Boroevich, K., Ross, A. J., Moore, S. J., Badano, J. L., May-Simera, H., Compton, D. S., Green, J. S., Lewis, R. A., van Haelst, M. M., Parfrey, P. S., Baillie, D. L., Beales, P. L., Katsanis, N., Davidson, W. S., Leroux, M. R. Mutations in a member of the Ras superfamily of small GTP-binding proteins causes Bardet-Biedl syndrome. Nature Genet. 36: 989-993, 2004. (cited by OMIM).